The following is an entry in ClinVar:

ClinVar aggregate classification (germline): Uncertain significance (1 of 4 stars; one submission).

Conditions:
Arrhythmogenic right ventricular cardiomyopathy (ARVD). Also called: Arrhythmogenic right ventricular dysplasia; Cardiomyopathy, ARVC; Arrhythmogenic cardiomyopathy; Arrhythmogenic Right Ventricular Cardiomyopathy (ARVC). Identifiers: Orphanet 247, MedGen C0349788, MeSH D019571, MONDO:0016587. Disease mechanism: loss of function. Inheritance: Various modes of inheritance.

Submission:

All of Us Research Program, National Institutes of Health
Classification: Uncertain significance for Arrhythmogenic right ventricular cardiomyopathy. Last evaluated: 2023-02-24. Review status: criteria provided, single submitter. Criteria: ACMG Guidelines, 2015. Collection method: clinical testing. Allele origin: germline. Inheritance: Autosomal dominant inheritance. Observed: 1 variant allele, 1 heterozygote.
Comment: This synonymous variant does not change the encoded amino acid at codon 667 of the DSG2 protein, but it causes a G to A substitution at the last nucleotide of exon 13 of the DSG2 gene. Splice site prediction tools suggest that this variant may have a significant impact on RNA splicing, although this prediction has not been confirmed in published RNA studies. This variant has not been reported in individuals affected with DSG2-related disorders in the literature. This variant has not been identified in the general population by the Genome Aggregation Database (gnomAD). The available evidence is insufficient to determine the role of this variant in disease conclusively. Therefore, this variant is classified as a Variant of Uncertain Significance.

This study involves interpretation of variants in research participants for the purpose of population health screening. Participant phenotype was not available at the time of variant classification. Additional details can be found in publication PMID: 35346344, PMCID: PMC8962531

NM_001943.5(DSG2):c.2001G>A (p.Lys667=)

Gene: DSG2 (desmoglein 2; plus strand). Cytogenetic location: 18q12.1.
Variant type: single nucleotide variant.
Coding change: c.2001G>A on transcript NM_001943.5 (MANE Select); coding-DNA position 2001, G replaced by A.
Protein change: p.Lys667=; no amino-acid change (lysine 667 retained).
Molecular consequence: synonymous variant.
Genome position (GRCh38, 1-based): chr18:31,541,314, G>A. VCF-style: chr18-31541314-G-A. GRCh37 (hg19) VCF-style: chr18-29121277-G-A.
Identifiers: ClinVar variation 3069478 (VCV003069478.1), dbSNP rs2510920040, ClinGen allele CA503597185.